The following is an entry in ClinVar:

ClinVar aggregate classification (germline): Uncertain significance. Review status: criteria provided, multiple submitters, no conflicts (2 of 4 stars). 4 submissions from 4 submitters: Uncertain significance (3). 1 of the submissions does not count toward it. Last evaluated 2022-04-09.

Conditions:
Methylmalonic aciduria due to complete methylmalonyl-CoA mutase deficiency.
Methylmalonic aciduria due to methylmalonyl-CoA mutase deficiency (MAMM). Also called: Methylmalonic aciduria, mut type. Identifiers: Orphanet 27, MedGen C1855114, MONDO:0009612, OMIM 251000.

Allele frequency attached by ClinVar (database versions not stated): gnomAD exomes 0.00002; ExAC 0.00004; ESP Exome Variant Server 0.00008; gnomAD 0.00017 and 0.00019; TOPMed 0.00017; 1000 Genomes Project 30x 0.00031.
gnomAD v4.1: 68 of 1,611,504 alleles (0.0042%); highest among the groups gnomAD compares: African/African-American, 0.056%; no homozygotes.

Submissions (4):

Labcorp Genetics (formerly Invitae), Labcorp
Classification: Uncertain significance. Last evaluated: 2022-04-09. Review status: criteria provided, single submitter. Criteria: Invitae Variant Classification Sherloc (09022015). Collection method: clinical testing. Allele origin: germline.
Comment: This sequence change replaces isoleucine, which is neutral and non-polar, with valine, which is neutral and non-polar, at codon 261 of the MUT protein (p.Ile261Val). This variant is present in population databases (rs375054307, gnomAD 0.05%). This variant has not been reported in the literature in individuals affected with MUT-related conditions. ClinVar contains an entry for this variant (Variation ID: 235614). Algorithms developed to predict the effect of missense changes on protein structure and function are either unavailable or do not agree on the potential impact of this missense change (SIFT: "Deleterious"; PolyPhen-2: "Benign"; Align-GVGD: "Class C0"). Algorithms developed to predict the effect of sequence changes on RNA splicing suggest that this variant may create or strengthen a splice site. In summary, the available evidence is currently insufficient to determine the role of this variant in disease. Therefore, it has been classified as a Variant of Uncertain Significance.

Fulgent Genetics
Classification: Uncertain significance for Methylmalonic aciduria due to methylmalonyl-CoA mutase deficiency. Last evaluated: 2021-10-11. Review status: criteria provided, single submitter. Criteria: ACMG Guidelines, 2015. Collection method: clinical testing. Allele origin: unknown.

Center for Pediatric Genomic Medicine, Children's Mercy Hospital and Clinics
Classification: Uncertain significance. Last evaluated: 2015-12-21. Review status: criteria provided, single submitter. Criteria: ACMG Guidelines, 2015. Collection method: clinical testing. Allele origin: germline.
ClinVar note: Converted during submission from Uncertain Significance to Uncertain significance.

Natera, Inc.
Classification: Uncertain significance for Methylmalonic aciduria due to complete methylmalonyl-CoA mutase deficiency. Last evaluated: 2019-11-11. Review status: no assertion criteria provided. Collection method: clinical testing. Allele origin: germline. Not counted in ClinVar's aggregate classification.

NM_000255.4(MMUT):c.781A>G (p.Ile261Val)

Gene: MMUT (methylmalonyl-CoA mutase; minus strand). Cytogenetic location: 6p12.3.
Variant type: single nucleotide variant.
Coding change: c.781A>G on transcript NM_000255.4 (MANE Select); coding-DNA position 781, A replaced by G.
Protein change: p.Ile261Val; replaces isoleucine 261 with valine.
Molecular consequence: missense variant.
Genome position (GRCh38, 1-based): chr6:49,456,210, T>C on the plus strand (A>G on the coding strand, the complement: MMUT is on the minus strand). VCF-style: chr6-49456210-T-C. GRCh37 (hg19) VCF-style: chr6-49423923-T-C.
Other names: short protein forms I261V.
Identifiers: ClinVar variation 235614 (VCV000235614.7), dbSNP rs375054307, ClinGen allele CA3847034.
Genomic context (GRCh38, chr6:49,456,210, plus strand): 5'-AAGTATAGGCCAGCTCCAGAATGGCATCAGCCCCTGCTTCCTGCATATGGTATCCACTAA[T>C]TGAAATTGAATTAAATTTTGGCATGTGCTACATAAAAAAAAAAATTGTAACAGTGAATAA-3'
Protein context (NP_000246.2, residues 251-271): KHMPKFNSIS[Ile261Val]SGYHMQEAGA